The following is an entry in ClinVar:

ClinVar aggregate classification (germline): Likely benign. Review status: criteria provided, multiple submitters, no conflicts (2 of 4 stars). 4 submissions from 4 submitters: Likely benign (4). Last evaluated 2026-01-13.

Conditions:
Stickler syndrome, type 4 (STL4). Identifiers: Orphanet 250984, Orphanet 828, MedGen C3279941, MONDO:0013590, OMIM 614134.
Epiphyseal dysplasia, multiple, 6. Also called: COL9A1-Related Multiple Epiphyseal Dysplasia. Identifiers: MedGen C2675767, MONDO:0013591, OMIM 614135.

Allele frequency attached by ClinVar (database versions not stated): TOPMed 0.00005; gnomAD 0.00007; ESP Exome Variant Server 0.00008; gnomAD exomes 0.00009 and 0.00018; ExAC 0.00019; 1000 Genomes Project 0.00020; 1000 Genomes Project 30x 0.00031.
gnomAD v4.1: 274 of 1,595,988 alleles (0.017%); highest among the groups gnomAD compares: Non-Finnish European, 0.022%; no homozygotes.

Submissions (4):

Labcorp Genetics (formerly Invitae), Labcorp
Classification: Likely benign. Last evaluated: 2026-01-13. Review status: criteria provided, single submitter. Criteria: Invitae Variant Classification Sherloc (09022015). Collection method: clinical testing. Allele origin: germline.

Women's Health and Genetics/Laboratory Corporation of America, LabCorp
Classification: Likely benign. Last evaluated: 2023-09-19. Review status: criteria provided, single submitter. Criteria: LabCorp Variant Classification Summary - May 2015. Collection method: clinical testing. Allele origin: germline.
Comment: Variant summary: COL9A1 c.88+19A>C alters a non-conserved nucleotide located at a position not widely known to affect splicing. Consensus agreement among computation tools predict no significant impact on normal splicing. However, these predictions have yet to be confirmed by functional studies. The variant allele was found at a frequency of 9.4e-05 in 235282 control chromosomes. To our knowledge, no occurrence of c.88+19A>C in individuals affected with COL9A1-Related Disorders and no experimental evidence demonstrating its impact on protein function have been reported. Two submitters have cited clinical-significance assessments for this variant to ClinVar after 2014. Both submitters classified the variant as likely benign. Based on the evidence outlined above, the variant was classified as likely benign.

Blueprint Genetics
Classification: Likely benign. Last evaluated: 2022-10-07. Review status: criteria provided, single submitter. Criteria: ACMG Guidelines, 2015. Collection method: clinical testing. Allele origin: germline.

Fulgent Genetics
Classification: Likely benign for Stickler syndrome, type 4; Epiphyseal dysplasia, multiple, 6. Last evaluated: 2021-08-07. Review status: criteria provided, single submitter. Criteria: ACMG Guidelines, 2015. Collection method: clinical testing. Allele origin: unknown.

NM_001851.6(COL9A1):c.88+19A>C

Gene: COL9A1 (collagen type IX alpha 1 chain; minus strand). Cytogenetic location: 6q13.
Variant type: single nucleotide variant.
Coding change: c.88+19A>C on transcript NM_001851.6 (MANE Select); 19 bases into the intron after coding-DNA position 88, A replaced by C.
Molecular consequence: intron variant.
Genome position (GRCh38, 1-based): chr6:70,301,982, T>G on the plus strand (A>C on the coding strand, the complement: COL9A1 is on the minus strand). VCF-style: chr6-70301982-T-G. GRCh37 (hg19) VCF-style: chr6-71011685-T-G.
Other names: c.88+19A>C (NM_001377291.1).
Identifiers: ClinVar variation 1090615 (VCV001090615.11), dbSNP rs188749185, ClinGen allele CA3882936.